The following is an entry in ClinVar:

ClinVar aggregate classification (germline): Uncertain significance (1 of 4 stars; one submission).

Allele frequency attached by ClinVar (database versions not stated): TOPMed below 0.00001; gnomAD exomes 0.00001.
gnomAD v4.1: 6 of 1,029,894 alleles (0.00058%); highest among the groups gnomAD compares: Non-Finnish European, 0.00069%; no homozygotes.

Submission:

Labcorp Genetics (formerly Invitae), Labcorp
Classification: Uncertain significance. Last evaluated: 2023-09-11. Review status: criteria provided, single submitter. Criteria: Invitae Variant Classification Sherloc (09022015). Collection method: clinical testing. Allele origin: germline.
Comment: This sequence change replaces proline, which is neutral and non-polar, with glutamine, which is neutral and polar, at codon 13 of the ADGRA3 protein (p.Pro13Gln). In summary, the available evidence is currently insufficient to determine the role of this variant in disease. Therefore, it has been classified as a Variant of Uncertain Significance. Experimental studies and prediction algorithms are not available or were not evaluated, and the functional significance of this variant is currently unknown. This variant has not been reported in the literature in individuals affected with ADGRA3-related conditions. This variant is present in population databases (no rsID available, gnomAD 0.06%).

NM_145290.4(ADGRA3):c.38C>A (p.Pro13Gln)

Gene: ADGRA3 (adhesion G protein-coupled receptor A3; minus strand). Cytogenetic location: 4p15.2.
Variant type: single nucleotide variant.
Coding change: c.38C>A on transcript NM_145290.4 (MANE Select); coding-DNA position 38, C replaced by A.
Protein change: p.Pro13Gln; replaces proline 13 with glutamine.
Molecular consequence: missense variant.
Genome position (GRCh38, 1-based): chr4:22,515,747, G>T on the plus strand (C>A on the coding strand, the complement: ADGRA3 is on the minus strand). VCF-style: chr4-22515747-G-T. GRCh37 (hg19) VCF-style: chr4-22517370-G-T.
Other names: short protein forms P13Q.
Identifiers: ClinVar variation 2957541 (VCV002957541.3), dbSNP rs1415861816, ClinGen allele CA356507964.